The following is an entry in ClinVar:

ClinVar aggregate classification (germline): Conflicting classifications of pathogenicity. Review status: criteria provided, conflicting classifications (1 of 4 stars). 2 submissions from 2 submitters: Uncertain significance (1); Likely benign (1). Last evaluated 2024-07-19.

Conditions:
Idiopathic basal ganglia calcification 1 (PFBC1A). Also called: Cerebral calcification nonarteriosclerotic idiopathic adult-onset; Striopallidodentate calcinosis autosomal dominant adult-onset; Ferrocalcinosis, cerebrovascular; Fahr disease, familial (formerly); PRIMARY FAMILIAL BRAIN CALCIFICATION 1A, AUTOSOMAL DOMINANT; Familial Idiopathic Basal Ganglia Calcification 3. Identifiers: Orphanet 1980, MedGen C4551624, MONDO:0024538, OMIM 213600.

Allele frequency attached by ClinVar (database versions not stated): ExAC 0.00007; TOPMed 0.00005; ESP Exome Variant Server 0.00008.
gnomAD v4.1: 413 of 1,613,528 alleles (0.026%); highest among the groups gnomAD compares: Non-Finnish European, 0.034%; no homozygotes.

Submissions (2):

Labcorp Genetics (formerly Invitae), Labcorp
Classification: Uncertain significance. Last evaluated: 2024-07-19. Review status: criteria provided, single submitter. Criteria: Invitae Variant Classification Sherloc (09022015). Collection method: clinical testing. Allele origin: germline.
Comment: This sequence change replaces glutamic acid, which is acidic and polar, with aspartic acid, which is acidic and polar, at codon 446 of the SLC20A2 protein (p.Glu446Asp). This variant is present in population databases (rs374973821, gnomAD 0.02%). This variant has not been reported in the literature in individuals affected with SLC20A2-related conditions. ClinVar contains an entry for this variant (Variation ID: 911275). Advanced modeling of protein sequence and biophysical properties (such as structural, functional, and spatial information, amino acid conservation, physicochemical variation, residue mobility, and thermodynamic stability) performed at Invitae indicates that this missense variant is not expected to disrupt SLC20A2 protein function with a negative predictive value of 80%. In summary, the available evidence is currently insufficient to determine the role of this variant in disease. Therefore, it has been classified as a Variant of Uncertain Significance.

Illumina Laboratory Services, Illumina
Classification: Likely benign for Idiopathic basal ganglia calcification 1. Last evaluated: 2018-01-13. Review status: criteria provided, single submitter. Criteria: ICSL Variant Classification Criteria 13 December 2019. Collection method: clinical testing. Allele origin: germline.
Comment: This variant was observed in the ICSL laboratory as part of a predisposition screen in an ostensibly healthy population. It had not been previously curated by ICSL or reported in the Human Gene Mutation Database (HGMD: prior to June 1st, 2018), and was therefore a candidate for classification through an automated scoring system. Utilizing variant allele frequency, disease prevalence and penetrance estimates, and inheritance mode, an automated score was calculated to assess if this variant is too frequent to cause the disease. Based on the score and internal cut-off values, a variant classified as likely benign is not then subjected to further curation. The score for this variant resulted in a classification of likely benign for this disease.

NM_001257180.2(SLC20A2):c.1338G>C (p.Glu446Asp)

Gene: SLC20A2 (solute carrier family 20 member 2; minus strand). Cytogenetic location: 8p11.21.
Variant type: single nucleotide variant.
Coding change: c.1338G>C on transcript NM_001257180.2 (MANE Select); coding-DNA position 1338, G replaced by C.
Protein change: p.Glu446Asp; replaces glutamic acid 446 with aspartic acid.
Molecular consequence: missense variant.
Genome position (GRCh38, 1-based): chr8:42,437,174, C>G on the plus strand (G>C on the coding strand, the complement: SLC20A2 is on the minus strand). VCF-style: chr8-42437174-C-G. GRCh37 (hg19) VCF-style: chr8-42294692-C-G.
Other names: c.1338G>C, p.Glu446Asp (NM_001257181.2, NM_006749.5); short protein forms E446D.
Identifiers: ClinVar variation 911275 (VCV000911275.7), dbSNP rs374973821, ClinGen allele CA4733339.